The following is an entry in ClinVar:

ClinVar aggregate classification (germline): Benign (1 of 4 stars; one submission).

Conditions:
Tumor predisposition syndrome 2 (TPDS2). Also called: MBD4-ASSOCIATED NEOPLASIA SYNDROME; MBD4-Related Tumor Predisposition Syndrome; MBD4-associated neoplasia syndrome (MANS). Identifiers: Orphanet 661526, MedGen C5774186, MONDO:0859267, OMIM 619975.

Submission:

Myriad Genetics, Inc.
Classification: Benign for Tumor predisposition syndrome 2. Last evaluated: 2026-06-11. Review status: criteria provided, single submitter. Criteria: Myriad Autosomal Dominant, Autosomal Recessive and X-Linked Classification Criteria (2023). Collection method: clinical testing. Allele origin: unknown.
Comment: This variant is considered benign. This variant is a silent/synonymous amino acid change and it is not expected to impact splicing.

NM_001276270.2(MBD4):c.1140T>C (p.Ser380=)

Gene: MBD4 (methyl-CpG binding domain 4, DNA glycosylase; minus strand). Cytogenetic location: 3q21.3.
Variant type: single nucleotide variant.
Coding change: c.1140T>C on transcript NM_001276270.2 (MANE Select); coding-DNA position 1140, T replaced by C.
Protein change: p.Ser380=; no amino-acid change (serine 380 retained).
Molecular consequence: synonymous variant. On other transcripts: intron variant (1).
Genome position (GRCh38, 1-based): chr3:129,436,504, A>G on the plus strand (T>C on the coding strand, the complement: MBD4 is on the minus strand). VCF-style: chr3-129436504-A-G. GRCh37 (hg19) VCF-style: chr3-129155347-A-G.
Other names: c.1140T>C, p.Ser380= (NM_001276271.2, NM_001276272.2, NM_003925.3); c.247+1304T>C (NM_001276273.2).
Identifiers: ClinVar variation 4876024 (VCV004876024.1).